The following is an entry in ClinVar:

NM_001370259.2(MEN1):c.446-9C>A

Gene: MEN1 (menin 1; minus strand). Cytogenetic location: 11q13.1.
Variant type: single nucleotide variant.
Coding change: c.446-9C>A on transcript NM_001370259.2 (MANE Select); 9 bases into the intron before coding-DNA position 446, C replaced by A.
Molecular consequence: intron variant.
Genome position (GRCh38, 1-based): chr11:64,808,108, G>T on the plus strand (C>A on the coding strand, the complement: MEN1 is on the minus strand). VCF-style: chr11-64808108-G-T. GRCh37 (hg19) VCF-style: chr11-64575580-G-T.
Other names: c.461-9C>A (NM_130804.3, NM_130803.3, NM_000244.4 and 3 more transcripts); c.446-9C>A (NM_130799.3, NM_001370260.2, NM_001370251.2 and 3 more transcripts).
Identifiers: ClinVar variation 527312 (VCV000527312.10), dbSNP rs1371109251, ClinGen allele CA658797661.

ClinVar aggregate classification (germline): Likely benign. Review status: criteria provided, multiple submitters, no conflicts (2 of 4 stars). 3 submissions from 3 submitters: Likely benign (3). Last evaluated 2025-03-31.

Conditions:
Multiple endocrine neoplasia, type 1 (MEN1). Also called: MEN I; WERMER SYNDROME; Endocrine adenomatosis multiple; MEN 1; MEA I. Identifiers: Orphanet 652, MedGen C0025267, MeSH D018761, MONDO:0007540, OMIM 131100.

Submissions (3):

Labcorp Genetics (formerly Invitae), Labcorp
Classification: Likely benign for Multiple endocrine neoplasia, type 1. Last evaluated: 2025-03-31. Review status: criteria provided, single submitter. Criteria: Invitae Variant Classification Sherloc (09022015). Collection method: clinical testing. Allele origin: germline.

All of Us Research Program, National Institutes of Health
Classification: Likely benign for Multiple endocrine neoplasia, type 1. Last evaluated: 2023-12-01. Review status: criteria provided, single submitter. Criteria: ACMG Guidelines, 2015. Collection method: clinical testing. Allele origin: germline. Inheritance: Autosomal dominant inheritance. Observed: 2 variant alleles, 2 heterozygotes.
Comment: This study involves interpretation of variants in research participants for the purpose of population health screening. Participant phenotype was not available at the time of variant classification. Additional details can be found in publication PMID: 35346344, PMCID: PMC8962531

Color Diagnostics, LLC DBA Color Health
Classification: Likely benign for Multiple endocrine neoplasia, type 1. Last evaluated: 2022-02-02. Review status: criteria provided, single submitter. Criteria: ACMG Guidelines, 2015. Collection method: clinical testing. Allele origin: germline.